The following is an entry in ClinVar:

NM_033026.6(PCLO):c.6643G>A (p.Asp2215Asn)

Gene: PCLO (piccolo presynaptic cytomatrix protein; minus strand). Cytogenetic location: 7q21.11.
Variant type: single nucleotide variant.
Coding change: c.6643G>A on transcript NM_033026.6 (MANE Select); coding-DNA position 6643, G replaced by A.
Protein change: p.Asp2215Asn; replaces aspartic acid 2215 with asparagine.
Molecular consequence: missense variant.
Genome position (GRCh38, 1-based): chr7:82,954,310, C>T on the plus strand (G>A on the coding strand, the complement: PCLO is on the minus strand). VCF-style: chr7-82954310-C-T. GRCh37 (hg19) VCF-style: chr7-82583626-C-T.
Other names: c.6643G>A, p.Asp2215Asn (NM_014510.3); short protein forms D2215N.
Identifiers: ClinVar variation 1399850 (VCV001399850.8), dbSNP rs1795449457, ClinGen allele CA367918754.

ClinVar aggregate classification (germline): Uncertain significance (1 of 4 stars; one submission).

Allele frequency attached by ClinVar (database versions not stated): TOPMed below 0.00001; gnomAD exomes 0.00001.
gnomAD v4.1: 8 of 1,613,658 alleles (0.0005%); highest among the groups gnomAD compares: Non-Finnish European, 0.00068%; no homozygotes.

Submission:

Labcorp Genetics (formerly Invitae), Labcorp
Classification: Uncertain significance. Last evaluated: 2021-06-07. Review status: criteria provided, single submitter. Criteria: Invitae Variant Classification Sherloc (09022015). Collection method: clinical testing. Allele origin: germline.
Comment: This variant has not been reported in the literature in individuals with PCLO-related conditions. This sequence change replaces aspartic acid with asparagine at codon 2215 of the PCLO protein (p.Asp2215Asn). The aspartic acid residue is moderately conserved and there is a small physicochemical difference between aspartic acid and asparagine. This variant is not present in population databases (ExAC no frequency). Algorithms developed to predict the effect of missense changes on protein structure and function are either unavailable or do not agree on the potential impact of this missense change (SIFT: "Tolerated"; PolyPhen-2: "Not Available"; Align-GVGD: "Class C0"). In summary, the available evidence is currently insufficient to determine the role of this variant in disease. Therefore, it has been classified as a Variant of Uncertain Significance.